The following is an entry in ClinVar:

ClinVar aggregate classification (germline): Pathogenic/Likely pathogenic. Review status: criteria provided, multiple submitters, no conflicts (2 of 4 stars). 6 submissions from 6 submitters: Pathogenic (3); Likely pathogenic (2). 1 of the submissions does not count toward it. Last evaluated 2023-09-04.

Conditions:
Ovarian neoplasm. Also called: Ovarian tumor; Ovarian Neoplasms; Neoplasm of ovary. Identifiers: MedGen C0919267, MeSH D010051, MONDO:0021068, HP:0100615.
Prostate cancer. Also called: Malignant tumor of prostate. Identifiers: Orphanet 1331, MedGen C0376358, MONDO:0008315, HP:0012125.
Familial cancer of breast. Also called: BREAST CANCER, FAMILIAL; Hereditary breast cancer; hereditary breast carcinoma. Identifiers: Orphanet 227535, MedGen C0346153, MONDO:0016419, OMIM 114480. Disease mechanism: loss of function.
Blepharocheilodontic syndrome 1 (BCDS1). Identifiers: Orphanet 1997, MedGen C4551988, MONDO:0054740, OMIM 119580.
Endometrial carcinoma. Also called: Endometrial carcinoma, somatic. Identifiers: MedGen C0476089, MONDO:0002447, OMIM 608089, HP:0012114.
Hereditary diffuse gastric adenocarcinoma (HDGC). Also called: DIFFUSE GASTRIC AND LOBULAR BREAST CANCER SYNDROME. Identifiers: Orphanet 26106, MedGen C1708349, MONDO:0007648, OMIM 137215.
Hereditary cancer-predisposing syndrome. Also called: Hereditary Cancer Syndrome; Hereditary neoplastic syndrome; Neoplastic Syndromes, Hereditary; Tumor predisposition. Identifiers: Orphanet 140162, MedGen C0027672, MeSH D009386, MONDO:0015356.

Submissions (6):

Labcorp Genetics (formerly Invitae), Labcorp
Classification: Pathogenic for Hereditary diffuse gastric adenocarcinoma. Last evaluated: 2023-09-04. Review status: criteria provided, single submitter. Criteria: Invitae Variant Classification Sherloc (09022015). Collection method: clinical testing. Allele origin: germline.
Comment: ClinVar contains an entry for this variant (Variation ID: 492676). This sequence change creates a premature translational stop signal (p.Gly382Valfs*11) in the CDH1 gene. It is expected to result in an absent or disrupted protein product. Loss-of-function variants in CDH1 are known to be pathogenic (PMID: 15235021, 20373070). This variant is not present in population databases (gnomAD no frequency). This variant has not been reported in the literature in individuals affected with CDH1-related conditions. For these reasons, this variant has been classified as Pathogenic.

Myriad Genetics, Inc.
Classification: Pathogenic for Hereditary diffuse gastric adenocarcinoma. Last evaluated: 2023-06-13. Review status: criteria provided, single submitter. Criteria: Myriad Autosomal Dominant, Autosomal Recessive and X-Linked Classification Criteria (2023). Collection method: clinical testing. Allele origin: unknown.
Comment: This variant is considered pathogenic. This variant creates a frameshift predicted to result in premature protein truncation.

Fulgent Genetics
Classification: Likely pathogenic for Familial cancer of breast; Blepharocheilodontic syndrome 1; Hereditary diffuse gastric adenocarcinoma; Ovarian cancer; Familial prostate cancer; Endometrial carcinoma. Last evaluated: 2022-03-15. Review status: criteria provided, single submitter. Criteria: ACMG Guidelines, 2015. Collection method: clinical testing. Allele origin: unknown.

Ambry Genetics
Classification: Pathogenic for Hereditary cancer-predisposing syndrome. Last evaluated: 2018-05-18. Review status: criteria provided, single submitter. Criteria: Ambry Variant Classification Scheme 2023. Collection method: clinical testing. Allele origin: germline.
Comment: The c.1145delG variant, located in coding exon 9 of the CDH1 gene, results from a deletion of one nucleotide at nucleotide position 1145, causing a translational frameshift with a predicted alternate stop codon (p.G382Vfs*11). This alteration is expected to result in loss of function by premature protein truncation or nonsense-mediated mRNA decay. As such, this alteration is interpreted as a disease-causing mutation.

Quest Diagnostics Nichols Institute San Juan Capistrano
Classification: Likely pathogenic. Last evaluated: 2018-02-01. Review status: criteria provided, single submitter. Criteria: Quest Diagnostics criteria. Collection method: clinical testing. Allele origin: germline.

Mayo Clinic Laboratories, Mayo Clinic
Classification: Pathogenic. Review status: no assertion criteria provided. Collection method: clinical testing. Allele origin: unknown. Not counted in ClinVar's aggregate classification.

Literature cited by the submitters: PubMed 15235021 (cited by Labcorp Genetics (formerly Invitae), Labcorp); PubMed 20373070 (cited by Labcorp Genetics (formerly Invitae), Labcorp).

NM_004360.5(CDH1):c.1145del (p.Gly382fs)

Gene: CDH1 (cadherin 1; plus strand). Cytogenetic location: 16q22.1.
Variant type: Deletion.
Coding change: c.1145del on transcript NM_004360.5 (MANE Select); coding-DNA position 1145, one base deleted (G; older notation c.1145delG).
Protein change: p.Gly382fs; shifts the reading frame from glycine 382.
Molecular consequence: frameshift variant. On other transcripts: 5 prime UTR variant (2), intron variant (1).
Genome position (GRCh38, 1-based): chr16:68,813,320, G deleted; the last of 3 consecutive G bases (chr16:68,813,318-68,813,320); deleting any one gives the same sequence. VCF-style (leftmost placement, unchanged base first): chr16-68813317-AG-A. GRCh37 (hg19) VCF-style: chr16-68847220-AG-A.
Other names: c.-471del (NM_001317185.2); c.-675del (NM_001317186.2); c.1137+1057del (NM_001317184.2); short protein forms G382fs.
Identifiers: ClinVar variation 492676 (VCV000492676.17), dbSNP rs1555515863, ClinGen allele CA658683953.